The following is an entry in ClinVar:

ClinVar aggregate classification (germline): Likely benign (0 of 4 stars; one submission).

Conditions:
SMARCC2-related disorder. Also called: SMARCC2-related condition.

Allele frequency attached by ClinVar (database versions not stated): gnomAD exomes 0.00001; ExAC 0.00002; gnomAD 0.00008; TOPMed 0.00014.
gnomAD v4.1: 25 of 1,563,918 alleles (0.0016%); highest among the groups gnomAD compares: African/African-American, 0.024%; no homozygotes.

Submission:

PreventionGenetics, part of Exact Sciences
Classification: Likely benign for SMARCC2-related condition. Last evaluated: 2019-06-03. Review status: no assertion criteria provided. Collection method: clinical testing. Allele origin: germline.
Comment: This variant is classified as likely benign based on ACMG/AMP sequence variant interpretation guidelines (Richards et al. 2015 PMID: 25741868, with internal and published modifications).

NM_001330288.2(SMARCC2):c.492+5A>G

Gene: SMARCC2 (SWI/SNF related BAF chromatin remodeling complex subunit C2; minus strand). Cytogenetic location: 12q13.2.
Variant type: single nucleotide variant.
Coding change: c.492+5A>G on transcript NM_001330288.2 (MANE Select); 5 bases into the intron after coding-DNA position 492, A replaced by G.
Molecular consequence: intron variant.
Genome position (GRCh38, 1-based): chr12:56,184,839, T>C on the plus strand (A>G on the coding strand, the complement: SMARCC2 is on the minus strand). VCF-style: chr12-56184839-T-C. GRCh37 (hg19) VCF-style: chr12-56578623-T-C.
Other names: c.492+5A>G (NM_003075.5, NM_139067.4, NM_001130420.3).
Identifiers: ClinVar variation 3041966 (VCV003041966.2), dbSNP rs772856600, ClinGen allele CA6626385.
Genomic context (GRCh38, chr12:56,184,839, plus strand): 5'-GGTATAGAAAACACTGGGAAAACAGTCATGGAGTTTCTGAAACCTCTCCTCACCAGACCA[T>C]TTACCTGGTGTCTCTTGATAATGTCCTTTAATTTCCCTAGTAGTTTGGGCTCAATTTCTG-3'